The following is an entry in ClinVar:

NM_032383.5(HPS3):c.611T>C (p.Leu204Ser)

Gene: HPS3 (HPS3 biogenesis of lysosomal organelles complex 2 subunit 1; plus strand). Cytogenetic location: 3q24.
Variant type: single nucleotide variant.
Coding change: c.611T>C on transcript NM_032383.5 (MANE Select); coding-DNA position 611, T replaced by C.
Protein change: p.Leu204Ser; replaces leucine 204 with serine.
Molecular consequence: missense variant. On other transcripts: intron variant (1).
Genome position (GRCh38, 1-based): chr3:149,140,397, T>C. VCF-style: chr3-149140397-T-C. GRCh37 (hg19) VCF-style: chr3-148858184-T-C.
Other names: c.218-620T>C (NM_001308258.2); short protein forms L204S.
Identifiers: ClinVar variation 1980045 (VCV001980045.4), dbSNP rs762504042, ClinGen allele CA2659840.
Genomic context (GRCh38, chr3:149,140,397, plus strand): 5'-ATAATATCACTCCTGTTGAGGTTTCTTTTTGTGTTGGATATGTTGCTGTCATGTCAGACT[T>C]AGAAGTCTTAATCGTAAAACTGGAGTCAGGCCCTAAAAATGGAGAGAGAGTTCACCACCA-3'
Protein context (NP_115759.2, residues 194-214): CVGYVAVMSD[Leu204Ser]EVLIVKLESG

ClinVar aggregate classification (germline): Uncertain significance (1 of 4 stars; one submission).

Allele frequency attached by ClinVar (database versions not stated): gnomAD exomes below 0.00001; ExAC 0.00001.
gnomAD v4.1: 4 of 1,611,174 alleles (0.00025%); highest among the groups gnomAD compares: South Asian, 0.0044%; no homozygotes.

Submission:

Labcorp Genetics (formerly Invitae), Labcorp
Classification: Uncertain significance. Last evaluated: 2022-04-12. Review status: criteria provided, single submitter. Criteria: Invitae Variant Classification Sherloc (09022015). Collection method: clinical testing. Allele origin: germline.
Comment: In summary, the available evidence is currently insufficient to determine the role of this variant in disease. Therefore, it has been classified as a Variant of Uncertain Significance. Algorithms developed to predict the effect of missense changes on protein structure and function are either unavailable or do not agree on the potential impact of this missense change (SIFT: "Tolerated"; PolyPhen-2: "Probably Damaging"; Align-GVGD: "Class C0"). This variant has not been reported in the literature in individuals affected with HPS3-related conditions. This variant is present in population databases (rs762504042, gnomAD 0.007%). This sequence change replaces leucine, which is neutral and non-polar, with serine, which is neutral and polar, at codon 204 of the HPS3 protein (p.Leu204Ser).